The following is an entry in ClinVar:

NM_001845.6(COL4A1):c.4208C>T (p.Ala1403Val)

Gene: COL4A1 (collagen type IV alpha 1 chain; minus strand). Cytogenetic location: 13q34.
Variant type: single nucleotide variant.
Coding change: c.4208C>T on transcript NM_001845.6 (MANE Select); coding-DNA position 4208, C replaced by T.
Protein change: p.Ala1403Val; replaces alanine 1403 with valine.
Molecular consequence: missense variant.
Genome position (GRCh38, 1-based): chr13:110,163,504, G>A on the plus strand (C>T on the coding strand, the complement: COL4A1 is on the minus strand). VCF-style: chr13-110163504-G-A. GRCh37 (hg19) VCF-style: chr13-110815851-G-A.
Other names: short protein forms A1403V.
Identifiers: ClinVar variation 2918611 (VCV002918611.4), dbSNP rs1482566742, ClinGen allele CA388659303.

ClinVar aggregate classification (germline): Uncertain significance. Review status: criteria provided, multiple submitters, no conflicts (2 of 4 stars). 2 submissions from 2 submitters: Uncertain significance (2). Last evaluated 2024-06-14.

Allele frequency attached by ClinVar (database versions not stated): gnomAD 0.00001.
gnomAD v4.1: 16 of 1,613,994 alleles (0.00099%); highest among the groups gnomAD compares: Admixed American, 0.0017%; no homozygotes.

Submissions (2):

Revvity Omics, Revvity
Classification: Uncertain significance. Last evaluated: 2024-06-14. Review status: criteria provided, single submitter. Criteria: ACMG Guidelines, 2015. Collection method: clinical testing. Allele origin: germline.

Labcorp Genetics (formerly Invitae), Labcorp
Classification: Uncertain significance. Last evaluated: 2023-12-30. Review status: criteria provided, single submitter. Criteria: Invitae Variant Classification Sherloc (09022015). Collection method: clinical testing. Allele origin: germline.
Comment: This sequence change replaces alanine, which is neutral and non-polar, with valine, which is neutral and non-polar, at codon 1403 of the COL4A1 protein (p.Ala1403Val). This variant is present in population databases (no rsID available, gnomAD 0.003%). This variant has not been reported in the literature in individuals affected with COL4A1-related conditions. An algorithm developed to predict the effect of missense changes on protein structure and function (PolyPhen-2) suggests that this variant is likely to be disruptive. In summary, the available evidence is currently insufficient to determine the role of this variant in disease. Therefore, it has been classified as a Variant of Uncertain Significance.